The following is an entry in ClinVar:

ClinVar aggregate classification (germline): Conflicting classifications of pathogenicity. Review status: criteria provided, conflicting classifications (1 of 4 stars). 10 submissions from 10 submitters: Uncertain significance (7); Likely benign (1). 2 of the submissions do not count toward it. Last evaluated 2026-01-25.

Conditions:
Hereditary cancer-predisposing syndrome. Also called: Neoplastic Syndromes, Hereditary; Tumor predisposition; Hereditary Cancer Syndrome; Hereditary neoplastic syndrome. Identifiers: Orphanet 140162, MedGen C0027672, MeSH D009386, MONDO:0015356.
Breast-ovarian cancer, familial, susceptibility to, 5 (BROVCA5). Identifiers: MedGen C5830615, MONDO:0957530, OMIM 620442.
Familial cancer of breast. Also called: BREAST CANCER, FAMILIAL; hereditary breast carcinoma; Hereditary breast cancer. Identifiers: Orphanet 227535, MedGen C0346153, MONDO:0016419, OMIM 114480. Disease mechanism: loss of function.

Allele frequency attached by ClinVar (database versions not stated): ExAC 0.00001; gnomAD exomes 0.00001; TOPMed 0.00001.
gnomAD v4.1: 7 of 1,614,140 alleles (0.00043%); highest among the groups gnomAD compares: South Asian, 0.0077%; no homozygotes.

Submissions (10):

Labcorp Genetics (formerly Invitae), Labcorp
Classification: Uncertain significance for Familial cancer of breast. Last evaluated: 2026-01-25. Review status: criteria provided, single submitter. Criteria: Invitae Variant Classification Sherloc (09022015). Collection method: clinical testing. Allele origin: germline.
Comment: This sequence change replaces isoleucine, which is neutral and non-polar, with valine, which is neutral and non-polar, at codon 654 of the PALB2 protein (p.Ile654Val). This variant is present in population databases (rs749842477, gnomAD 0.006%). This missense change has been observed in individual(s) with breast cancer and/or esophageal cancer (PMID: 21279724, 27648926). ClinVar contains an entry for this variant (Variation ID: 234115). Invitae Evidence Modeling of protein sequence and biophysical properties (such as structural, functional, and spatial information, amino acid conservation, physicochemical variation, residue mobility, and thermodynamic stability) indicates that this missense variant is not expected to disrupt PALB2 protein function with a negative predictive value of 80%. In summary, the available evidence is currently insufficient to determine the role of this variant in disease. Therefore, it has been classified as a Variant of Uncertain Significance.

Ambry Genetics
Classification: Likely benign for Hereditary cancer-predisposing syndrome. Last evaluated: 2025-09-04. Review status: criteria provided, single submitter. Criteria: Ambry Variant Classification Scheme 2023. Collection method: clinical testing. Allele origin: germline.

Molecular Pathology, Peter Maccallum Cancer Centre
Classification: Uncertain significance for Familial cancer of breast. Last evaluated: 2025-02-24. Review status: criteria provided, single submitter. Criteria: ACMG Guidelines, 2015. Collection method: clinical testing. Allele origin: germline. Inheritance: Autosomal dominant inheritance.

Women's Health and Genetics/Laboratory Corporation of America, LabCorp
Classification: Uncertain significance. Last evaluated: 2024-05-24. Review status: criteria provided, single submitter. Criteria: LabCorp Variant Classification Summary - May 2015. Collection method: clinical testing. Allele origin: germline.
Comment: Variant summary: PALB2 c.1960A>G (p.Ile654Val) results in a conservative amino acid change in the encoded protein sequence. Five of five in-silico tools predict a benign effect of the variant on protein function. The variant allele was found at a frequency of 8e-06 in 251154 control chromosomes. The available data on variant occurrences in the general population are insufficient to allow any conclusion about variant significance. c.1960A>G has been reported in the literature in the heterozygous state in at least 1 individual affected with male breast cancer and at least 1 individual affected with esophageal squamous cell carcinoma (example, Akbari_2011, Silvestri_2017). These reports do not provide unequivocal conclusions about association of the variant with breast or other PALB2-related cancers. To our knowledge, no experimental evidence demonstrating an impact on protein function has been reported. The following publications have been ascertained in the context of this evaluation (PMID: 21279724, 27648926). ClinVar contains an entry for this variant (Variation ID: 234115). Based on the evidence outlined above, the variant was classified as uncertain significance.

Color Diagnostics, LLC DBA Color Health
Classification: Uncertain significance for Hereditary cancer-predisposing syndrome. Last evaluated: 2024-04-02. Review status: criteria provided, single submitter. Criteria: ACMG Guidelines, 2015. Collection method: clinical testing. Allele origin: germline.
Comment: This missense variant replaces isoleucine with valine at codon 654 of the PALB2 protein. Computational prediction suggests that this variant may not impact protein structure and function. To our knowledge, functional studies have not been reported for this variant. This variant has been reported in an individual affected with breast cancer (PMID: 27648926) and in an individual affected with esophageal squamous cell carcinoma (PMID: 21279724). This variant has been identified in 2/251154 chromosomes in the general population by the Genome Aggregation Database (gnomAD). The available evidence is insufficient to determine the role of this variant in disease conclusively. Therefore, this variant is classified as a Variant of Uncertain Significance.

Myriad Genetics, Inc.
Classification: Uncertain significance for Familial cancer of breast. Last evaluated: 2023-03-30. Review status: criteria provided, single submitter. Criteria: Myriad Autosomal Dominant, Autosomal Recessive and X-Linked Classification Criteria (2023). Collection method: clinical testing. Allele origin: unknown.
Comment: This variant is classified as a variant of uncertain significance as there is insufficient evidence to determine its impact on protein function and/or cancer risk.

Department of Pathology and Laboratory Medicine, Sinai Health System
Classification: Uncertain significance for Breast-ovarian cancer, familial, susceptibility to, 5. Last evaluated: 2022-02-28. Review status: criteria provided, single submitter. Criteria: ACMG Guidelines, 2015. Collection method: clinical testing. Allele origin: germline. Affected: yes.

Institute for Clinical Genetics, University Hospital TU Dresden, University Hospital TU Dresden
Classification: Uncertain significance. Last evaluated: 2021-11-03. Review status: criteria provided, single submitter. Criteria: ACMG Guidelines, 2015. Collection method: clinical testing. Allele origin: germline.

Leiden Open Variation Database
Classification: Uncertain significance. Last evaluated: 2019-05-13. Review status: no assertion criteria provided. Collection method: curation. Allele origin: germline. Affected: yes. Not counted in ClinVar's aggregate classification.
Comment: Curators: Marc Tischkowitz, Arleen D. Auerbach. Submitter to LOVD: Andreas Laner.

Counsyl
Classification: Uncertain significance for Familial cancer of breast. Last evaluated: 2018-03-27. Review status: no assertion criteria provided. Collection method: clinical testing. Allele origin: unknown. Not counted in ClinVar's aggregate classification.

Literature cited by the submitters: PubMed 21279724 (cited by 5 submitters); PubMed 27648926 (cited by 6 submitters).

NM_024675.4(PALB2):c.1960A>G (p.Ile654Val)

Gene: PALB2 (partner and localizer of BRCA2; minus strand). Cytogenetic location: 16p12.2.
Variant type: single nucleotide variant.
Coding change: c.1960A>G on transcript NM_024675.4 (MANE Select); coding-DNA position 1960, A replaced by G.
Protein change: p.Ile654Val; replaces isoleucine 654 with valine.
Molecular consequence: missense variant.
Genome position (GRCh38, 1-based): chr16:23,630,194, T>C on the plus strand (A>G on the coding strand, the complement: PALB2 is on the minus strand). VCF-style: chr16-23630194-T-C. GRCh37 (hg19) VCF-style: chr16-23641515-T-C.
Other names: short protein forms I654V.
Identifiers: ClinVar variation 234115 (VCV000234115.30), dbSNP rs749842477, ClinGen allele CA7963642.
Genomic context (GRCh38, chr16:23,630,194, plus strand): 5'-CCTCTTCTAAGTCCTCCATTTCTGTATCCATGCGTTTAGGACTCAGTTCCTCTGGAAAAA[T>C]ACAGCTTCCCTCTTTAAGATGTCTCTCTCCAAACATTTTTGACTCAAAGGGCTCCACTGG-3'
Protein context (NP_078951.2, residues 644-664): GERHLKEGSC[Ile654Val]FPEELSPKRM